The following is an entry in ClinVar:

NM_006767.4(LZTR1):c.1687G>A (p.Glu563Lys)

Gene: LZTR1 (leucine zipper like post translational regulator 1; plus strand). Cytogenetic location: 22q11.21.
Variant type: single nucleotide variant.
Coding change: c.1687G>A on transcript NM_006767.4 (MANE Select); coding-DNA position 1687, G replaced by A.
Protein change: p.Glu563Lys; replaces glutamic acid 563 with lysine.
Molecular consequence: missense variant.
Genome position (GRCh38, 1-based): chr22:20,994,629, G>A. VCF-style: chr22-20994629-G-A. GRCh37 (hg19) VCF-style: chr22-21348918-G-A.
Other names: short protein forms E563K.
Identifiers: ClinVar variation 1778039 (VCV001778039.6), dbSNP rs1374240053, ClinGen allele CA410777777.

ClinVar aggregate classification (germline): Uncertain significance. Review status: criteria provided, multiple submitters, no conflicts (2 of 4 stars). 3 submissions from 3 submitters: Uncertain significance (3). Last evaluated 2025-07-28.

Conditions:
Cardiovascular phenotype. Identifiers: MedGen CN230736.
Hereditary cancer-predisposing syndrome. Also called: Neoplastic Syndromes, Hereditary; Tumor predisposition; Hereditary Cancer Syndrome; Hereditary neoplastic syndrome. Identifiers: Orphanet 140162, MedGen C0027672, MeSH D009386, MONDO:0015356.

Allele frequency attached by ClinVar (database versions not stated): gnomAD 0.00001.
gnomAD v4.1: 12 of 1,612,606 alleles (0.00074%); highest among the groups gnomAD compares: Non-Finnish European, 0.001%; no homozygotes.

Submissions (3):

GeneDx
Classification: Uncertain significance. Last evaluated: 2025-07-28. Review status: criteria provided, single submitter. Criteria: GeneDx Variant Classification Process June 2021. Collection method: clinical testing. Allele origin: germline. Affected: yes.
Comment: Not observed at significant frequency in large population cohorts (gnomAD); In silico analysis suggests that this missense variant does not alter protein structure/function; Has not been previously published as pathogenic or benign to our knowledge

Labcorp Genetics (formerly Invitae), Labcorp
Classification: Uncertain significance. Last evaluated: 2025-02-12. Review status: criteria provided, single submitter. Criteria: Invitae Variant Classification Sherloc (09022015). Collection method: clinical testing. Allele origin: germline.
Comment: This sequence change replaces glutamic acid, which is acidic and polar, with lysine, which is basic and polar, at codon 563 of the LZTR1 protein (p.Glu563Lys). This variant is present in population databases (no rsID available, gnomAD 0.007%). This variant has not been reported in the literature in individuals affected with LZTR1-related conditions. ClinVar contains an entry for this variant (Variation ID: 1778039). Invitae Evidence Modeling of protein sequence and biophysical properties (such as structural, functional, and spatial information, amino acid conservation, physicochemical variation, residue mobility, and thermodynamic stability) indicates that this missense variant is not expected to disrupt LZTR1 protein function with a negative predictive value of 80%. This variant disrupts the p.Glu563 amino acid residue in LZTR1. Other variant(s) that disrupt this residue have been determined to be pathogenic (PMID: 29469822, 35258168). This suggests that this residue is clinically significant, and that variants that disrupt this residue are likely to be disease-causing. In summary, the available evidence is currently insufficient to determine the role of this variant in disease. Therefore, it has been classified as a Variant of Uncertain Significance.

Ambry Genetics
Classification: Uncertain significance for Cardiovascular phenotype; Hereditary cancer-predisposing syndrome. Last evaluated: 2024-07-26. Review status: criteria provided, single submitter. Criteria: Ambry Variant Classification Scheme 2023. Collection method: clinical testing. Allele origin: germline.
Comment: The p.E563K variant (also known as c.1687G>A), located in coding exon 15 of the LZTR1 gene, results from a G to A substitution at nucleotide position 1687. The glutamic acid at codon 563 is replaced by lysine, an amino acid with similar properties. This amino acid position is conserved. In addition, the in silico prediction for this alteration is inconclusive. Since supporting evidence is limited at this time, the clinical significance of this alteration remains unclear.

Literature cited by the submitters: PubMed 29469822 (cited by Labcorp Genetics (formerly Invitae), Labcorp); PubMed 35258168 (cited by Labcorp Genetics (formerly Invitae), Labcorp).